The following is an entry in ClinVar:

ClinVar aggregate classification (germline): Uncertain significance. Review status: criteria provided, multiple submitters, no conflicts (2 of 4 stars). 2 submissions from 2 submitters: Uncertain significance (2). Last evaluated 2025-07-09.

Conditions:
Epidermolysis bullosa simplex 5B, with muscular dystrophy (EBS5B). Also called: EPIDERMOLYSIS BULLOSA SIMPLEX AND LIMB-GIRDLE MUSCULAR DYSTROPHY; Epidermolysis bullosa simplex with muscular dystrophy. Identifiers: Orphanet 257, MedGen C2931072, MONDO:0009181, OMIM 226670.
Epidermolysis bullosa simplex with nail dystrophy (EBS5D). Identifiers: MedGen C4225309, MONDO:0014661, OMIM 616487.
Epidermolysis bullosa simplex 5C, with pyloric atresia (EBS5C). Also called: PLEC-Related Epidermolysis Bullosa with Pyloric Atresia; Epidermolysis bullosa simplex with pyloric atresia; PLEC1-Related Epidermolysis Bullosa with Pyloric Atresia. Identifiers: Orphanet 158684, MedGen C2677349, MONDO:0012807, OMIM 612138.
Autosomal recessive limb-girdle muscular dystrophy type 2Q (LGMDR17). Also called: MUSCULAR DYSTROPHY, LIMB-GIRDLE, AUTOSOMAL RECESSIVE 17. Identifiers: Orphanet 254361, MedGen C3150989, MONDO:0013390, OMIM 613723.
Epidermolysis bullosa simplex, Ogna type (EBS5A). Also called: EPIDERMOLYSIS BULLOSA SIMPLEX 5A, OGNA TYPE; Pidermolysis bullosa simplex 5A, Ogna type. Identifiers: Orphanet 79401, MedGen C0432317, MONDO:0007555, OMIM 131950.

Allele frequency attached by ClinVar (database versions not stated): TOPMed below 0.00001; gnomAD 0.00001; gnomAD exomes 0.00001.
gnomAD v4.1: 20 of 1,554,944 alleles (0.0013%); highest among the groups gnomAD compares: Non-Finnish European, 0.0016%; no homozygotes.

Submissions (2):

Labcorp Genetics (formerly Invitae), Labcorp
Classification: Uncertain significance for Autosomal recessive limb-girdle muscular dystrophy type 2Q; Epidermolysis bullosa simplex, Ogna type; Epidermolysis bullosa simplex with nail dystrophy; Epidermolysis bullosa simplex 5C, with pyloric atresia; Epidermolysis bullosa simplex 5B, with muscular dystrophy. Last evaluated: 2025-07-09. Review status: criteria provided, single submitter. Criteria: Invitae Variant Classification Sherloc (09022015). Collection method: clinical testing. Allele origin: germline.
Comment: This sequence change replaces glutamic acid, which is acidic and polar, with lysine, which is basic and polar, at codon 1551 of the PLEC protein (p.Glu1551Lys). This variant is not present in population databases (gnomAD no frequency). This variant has not been reported in the literature in individuals affected with PLEC-related conditions. ClinVar contains an entry for this variant (Variation ID: 2435070). Experimental studies and prediction algorithms are not available or were not evaluated, and the functional significance of this variant is currently unknown. In summary, the available evidence is currently insufficient to determine the role of this variant in disease. Therefore, it has been classified as a Variant of Uncertain Significance.

Revvity Omics, Revvity
Classification: Uncertain significance. Last evaluated: 2024-12-20. Review status: criteria provided, single submitter. Criteria: ACMG Guidelines, 2015. Collection method: clinical testing. Allele origin: germline.

NM_201384.3(PLEC):c.4570G>A (p.Glu1524Lys)

Gene: PLEC (plectin; minus strand). Cytogenetic location: 8q24.3.
Variant type: single nucleotide variant.
Coding change: c.4570G>A on transcript NM_201384.3 (MANE Select); coding-DNA position 4570, G replaced by A.
Protein change: p.Glu1524Lys; replaces glutamic acid 1524 with lysine.
Molecular consequence: missense variant.
Genome position (GRCh38, 1-based): chr8:143,925,359, C>T on the plus strand (G>A on the coding strand, the complement: PLEC is on the minus strand). VCF-style: chr8-143925359-C-T. GRCh37 (hg19) VCF-style: chr8-144999527-C-T.
Other names: c.4504G>A, p.Glu1502Lys (NM_201379.3); c.4981G>A, p.Glu1661Lys (NM_201380.4); c.4474G>A, p.Glu1492Lys (NM_201381.3); c.4570G>A, p.Glu1524Lys (NM_201382.4); c.4582G>A, p.Glu1528Lys (NM_201383.3); c.4651G>A, p.Glu1551Lys (NM_000445.5); c.4528G>A, p.Glu1510Lys (NM_201378.4); short protein forms E1492K, E1502K, E1510K, E1524K, E1528K, E1551K, E1661K.
Identifiers: ClinVar variation 2435070 (VCV002435070.5), dbSNP rs1047641700, ClinGen allele CA187616744.